The following is an entry in ClinVar:

NM_002334.4(LRP4):c.317-1G>C

Gene: LRP4 (LDL receptor related protein 4; minus strand). Cytogenetic location: 11p11.2.
Variant type: single nucleotide variant.
Coding change: c.317-1G>C on transcript NM_002334.4 (MANE Select); the canonical splice acceptor site of the intron before coding-DNA position 317, G replaced by C.
Molecular consequence: splice acceptor variant.
Genome position (GRCh38, 1-based): chr11:46,899,977, C>G on the plus strand (G>C on the coding strand, the complement: LRP4 is on the minus strand). VCF-style: chr11-46899977-C-G. GRCh37 (hg19) VCF-style: chr11-46921528-C-G.
Identifiers: ClinVar variation 3344039 (VCV003344039.1).
Genomic context (GRCh38, chr11:46,899,977, plus strand): 5'-GACTCCGGATGCAGTAGCCATTCTGGCAGGGAAACTCGTCCTCCTCACACTCCCGGGGGG[C>G]TGTGGGCACAGAGCAGTCAGGCTGCTGCAGGCAGTGGGGGTCTGGTGCCTGGAAGCCTGA-3'

ClinVar aggregate classification (germline): Likely pathogenic (0 of 4 stars; one submission).

Conditions:
LRP4-related disorder. Also called: LRP4-related condition.

gnomAD v4.1: 2 of 1,609,656 alleles (0.00012%); highest among the groups gnomAD compares: African/African-American, 0.0027%; no homozygotes.

Submission:

PreventionGenetics, part of Exact Sciences
Classification: Likely pathogenic for LRP4-related condition. Last evaluated: 2024-07-02. Review status: no assertion criteria provided. Collection method: clinical testing. Allele origin: germline.
Comment: The LRP4 c.317-1G>C variant is predicted to disrupt the AG splice acceptor site and interfere with normal splicing. To our knowledge, this variant has not been reported in the literature. This variant is reported in 0.011% of alleles in individuals of African descent in gnomAD. Variants that disrupt the consensus splice acceptor site in LRP4 are expected to be pathogenic. This variant is interpreted as likely pathogenic.